The following is an entry in ClinVar:

ClinVar aggregate classification (germline): Conflicting classifications of pathogenicity. Review status: criteria provided, conflicting classifications (1 of 4 stars). 2 submissions from 2 submitters: Uncertain significance (1); Likely benign (1). Last evaluated 2026-08-01.

Conditions:
Inborn genetic diseases. Identifiers: MedGen C0950123, MeSH D030342.

gnomAD v4.1: 34 of 1,607,974 alleles (0.0021%); highest among the groups gnomAD compares: South Asian, 0.035%; 1 homozygote.

Submissions (2):

CeGaT Center for Human Genetics Tuebingen
Classification: Likely benign. Last evaluated: 2026-08-01. Review status: criteria provided, single submitter. Criteria: CeGaT Center For Human Genetics Tuebingen Variant Classification Criteria Version 2. Collection method: clinical testing. Allele origin: germline. Affected: yes. Observed: 1 variant allele.
Comment: KDM4B: BP4

Ambry Genetics
Classification: Uncertain significance for Inborn genetic diseases. Last evaluated: 2025-08-14. Review status: criteria provided, single submitter. Criteria: Ambry Variant Classification Scheme 2023. Collection method: clinical testing. Allele origin: germline.

NM_015015.3(KDM4B):c.1474C>G (p.Pro492Ala)

Gene: KDM4B (lysine demethylase 4B; plus strand). Cytogenetic location: 19p13.3.
Variant type: single nucleotide variant.
Coding change: c.1474C>G on transcript NM_015015.3 (MANE Select); coding-DNA position 1474, C replaced by G.
Protein change: p.Pro492Ala; replaces proline 492 with alanine.
Molecular consequence: missense variant.
Genome position (GRCh38, 1-based): chr19:5,131,234, C>G. VCF-style: chr19-5131234-C-G. GRCh37 (hg19) VCF-style: chr19-5131245-C-G.
Other names: c.1576C>G, p.Pro526Ala (NM_001411148.1); short protein forms P526A, P492A.
Identifiers: ClinVar variation 4091233 (VCV004091233.2).